The following is an entry in ClinVar:

ClinVar aggregate classification (germline): Uncertain significance (1 of 4 stars; one submission).

Conditions:
Hypertrophic cardiomyopathy 10. Also called: MYL2-Related Familial Hypertrophic Cardiomyopathy; CARDIOMYOPATHY, HYPERTROPHIC, MID-LEFT VENTRICULAR CHAMBER TYPE, 2. Identifiers: MedGen C1834460, MONDO:0012112, OMIM 608758.

Submission:

Labcorp Genetics (formerly Invitae), Labcorp
Classification: Uncertain significance for Hypertrophic cardiomyopathy 10. Last evaluated: 2022-08-10. Review status: criteria provided, single submitter. Criteria: Invitae Variant Classification Sherloc (09022015). Collection method: clinical testing. Allele origin: germline.
Comment: Algorithms developed to predict the effect of missense changes on protein structure and function are either unavailable or do not agree on the potential impact of this missense change (SIFT: "Deleterious"; PolyPhen-2: "Probably Damaging"; Align-GVGD: "Class C0"). In summary, the available evidence is currently insufficient to determine the role of this variant in disease. Therefore, it has been classified as a Variant of Uncertain Significance. Algorithms developed to predict the effect of sequence changes on RNA splicing suggest that this variant may create or strengthen a splice site. This variant has not been reported in the literature in individuals affected with MYL2-related conditions. This variant is not present in population databases (gnomAD no frequency). This sequence change replaces phenylalanine, which is neutral and non-polar, with tyrosine, which is neutral and polar, at codon 130 of the MYL2 protein (p.Phe130Tyr).

NM_000432.4(MYL2):c.389T>A (p.Phe130Tyr)

Gene: MYL2 (myosin light chain 2; minus strand). Cytogenetic location: 12q24.11.
Variant type: single nucleotide variant.
Coding change: c.389T>A on transcript NM_000432.4 (MANE Select); coding-DNA position 389, T replaced by A.
Protein change: p.Phe130Tyr; replaces phenylalanine 130 with tyrosine.
Molecular consequence: missense variant.
Genome position (GRCh38, 1-based): chr12:110,913,109, A>T on the plus strand (T>A on the coding strand, the complement: MYL2 is on the minus strand). VCF-style: chr12-110913109-A-T. GRCh37 (hg19) VCF-style: chr12-111350913-A-T.
Other names: c.347T>A, p.Phe116Tyr (NM_001406745.1, NM_001406746.1); c.332T>A, p.Phe111Tyr (NM_001406916.1); short protein forms F130Y, F116Y, F111Y.
Identifiers: ClinVar variation 1948991 (VCV001948991.5), dbSNP rs727505071, ClinGen allele CA386697717.